The following is an entry in ClinVar:

NM_213606.4(SLC16A12):c.358C>G (p.Leu120Val)

Gene: SLC16A12 (solute carrier family 16 member 12; minus strand). Cytogenetic location: 10q23.31.
Variant type: single nucleotide variant.
Coding change: c.358C>G on transcript NM_213606.4 (MANE Select); coding-DNA position 358, C replaced by G.
Protein change: p.Leu120Val; replaces leucine 120 with valine.
Molecular consequence: missense variant.
Genome position (GRCh38, 1-based): chr10:89,441,198, G>C on the plus strand (C>G on the coding strand, the complement: SLC16A12 is on the minus strand). VCF-style: chr10-89441198-G-C. GRCh37 (hg19) VCF-style: chr10-91200955-G-C.
Other names: short protein forms L120V.
Identifiers: ClinVar variation 3344821 (VCV003344821.1).

ClinVar aggregate classification (germline): Uncertain significance (0 of 4 stars; one submission).

Conditions:
SLC16A12-related disorder. Also called: SLC16A12-related condition.

gnomAD v4.1: 1 of 1,613,978 alleles (0.000062%); highest among the groups gnomAD compares: Non-Finnish European, 0.000085%; no homozygotes.

Submission:

PreventionGenetics, part of Exact Sciences
Classification: Uncertain significance for SLC16A12-related condition. Last evaluated: 2024-09-16. Review status: no assertion criteria provided. Collection method: clinical testing. Allele origin: germline.
Comment: The SLC16A12 c.358C>G variant is predicted to result in the amino acid substitution p.Leu120Val. To our knowledge, this variant has not been reported in the literature or in a large population database, indicating this variant is rare. At this time, the clinical significance of this variant is uncertain due to the absence of conclusive functional and genetic evidence.